The following is an entry in ClinVar:

NM_004612.4(TGFBR1):c.679G>A (p.Glu227Lys)

Gene: TGFBR1 (transforming growth factor beta receptor 1; plus strand). Cytogenetic location: 9q22.33.
Variant type: single nucleotide variant.
Coding change: c.679G>A on transcript NM_004612.4 (MANE Select); coding-DNA position 679, G replaced by A.
Protein change: p.Glu227Lys; replaces glutamic acid 227 with lysine.
Molecular consequence: missense variant.
Genome position (GRCh38, 1-based): chr9:99,137,963, G>A. VCF-style: chr9-99137963-G-A. GRCh37 (hg19) VCF-style: chr9-101900245-G-A.
Other names: c.448G>A, p.Glu150Lys (NM_001130916.3); c.691G>A, p.Glu231Lys (NM_001306210.2); short protein forms E227K, E231K, E150K.
Identifiers: ClinVar variation 408566 (VCV000408566.16), dbSNP rs1060502042, ClinGen allele CA16612704.

ClinVar aggregate classification (germline): Pathogenic/Likely pathogenic. Review status: criteria provided, multiple submitters, no conflicts (2 of 4 stars). 3 submissions from 3 submitters: Pathogenic (2); Likely pathogenic (1). Last evaluated 2025-10-10.

Conditions:
Familial thoracic aortic aneurysm and aortic dissection (TAAD). Also called: Thoracic aortic aneurysms and dissections. Identifiers: Orphanet 91387, MedGen C4707243, MONDO:0019625.

Submissions (3):

Ambry Genetics
Classification: Pathogenic for Familial thoracic aortic aneurysm and aortic dissection. Last evaluated: 2025-10-10. Review status: criteria provided, single submitter. Criteria: Ambry Variant Classification Scheme 2023. Collection method: clinical testing. Allele origin: germline.
Comment: The p.E227K pathogenic mutation (also known as c.679G>A), located in coding exon 4 of the TGFBR1 gene, results from a G to A substitution at nucleotide position 679. The glutamic acid at codon 227 is replaced by lysine, an amino acid with similar properties. This variant was reported in individuals with features consistent with TGFBR1-related Loeys-Dietz syndrome; in at least one individual, it was determined to be de novo (Qiu J et al. Braz J Cardiovasc Surg, 2025 Feb;40:e20230495; Ambry internal data). This amino acid position is highly conserved in available vertebrate species. In addition, this alteration is predicted to be deleterious by in silico analysis. This variant is considered to be rare based on population cohorts in the Genome Aggregation Database (gnomAD). This missense alteration is located in a region that has a low rate of benign missense variation (Lek M et al. Nature. 2016 Aug 18;536(7616):285-91; DECIPHER: Database of Chromosomal Imbalance and Phenotype in Humans using Ensembl Resources. Firth H.V. et al. 2009. Am.J.Hum.Genet. 84, 524-533 (DOI)). Based on the majority of available evidence to date, this variant is pathogenic for TGFBR1-related LDS; however, the association of this variant with an increased risk of multiple self-healing squamous epithelioma (MSSE) is unknown.

Labcorp Genetics (formerly Invitae), Labcorp
Classification: Pathogenic for Familial thoracic aortic aneurysm and aortic dissection. Last evaluated: 2025-04-09. Review status: criteria provided, single submitter. Criteria: Invitae Variant Classification Sherloc (09022015). Collection method: clinical testing. Allele origin: germline.
Comment: This sequence change replaces glutamic acid, which is acidic and polar, with lysine, which is basic and polar, at codon 227 of the TGFBR1 protein (p.Glu227Lys). This variant is not present in population databases (gnomAD no frequency). This missense change has been observed in individual(s) with aortic dissection (internal data). In at least one individual the variant was observed to be de novo. ClinVar contains an entry for this variant (Variation ID: 408566). Invitae Evidence Modeling of protein sequence and biophysical properties (such as structural, functional, and spatial information, amino acid conservation, physicochemical variation, residue mobility, and thermodynamic stability) indicates that this missense variant is expected to disrupt TGFBR1 protein function with a positive predictive value of 80%. For these reasons, this variant has been classified as Pathogenic.

Stanford Center for Inherited Cardiovascular Disease, Stanford University
Classification: Likely pathogenic. Last evaluated: 2016-07-27. Review status: criteria provided, single submitter. Criteria: ACMG Guidelines, 2015. Collection method: provider interpretation. Allele origin: germline.

Literature cited by the submitters: PubMed 39937695 (cited by Ambry Genetics).